The following is an entry in ClinVar:

NM_005477.3(HCN4):c.3289G>A (p.Gly1097Arg)

Gene: HCN4 (hyperpolarization activated cyclic nucleotide gated potassium channel 4; minus strand). Cytogenetic location: 15q24.1.
Variant type: single nucleotide variant.
Coding change: c.3289G>A on transcript NM_005477.3 (MANE Select); coding-DNA position 3289, G replaced by A.
Protein change: p.Gly1097Arg; replaces glycine 1097 with arginine.
Molecular consequence: missense variant.
Genome position (GRCh38, 1-based): chr15:73,322,804, C>T on the plus strand (G>A on the coding strand, the complement: HCN4 is on the minus strand). VCF-style: chr15-73322804-C-T. GRCh37 (hg19) VCF-style: chr15-73615145-C-T.
Other names: short protein forms G1097R.
Identifiers: ClinVar variation 470665 (VCV000470665.14), dbSNP rs753734843, ClinGen allele CA7648853.

ClinVar aggregate classification (germline): Uncertain significance. Review status: criteria provided, multiple submitters, no conflicts (2 of 4 stars). 3 submissions from 3 submitters: Uncertain significance (3). Last evaluated 2025-10-12.

Conditions:
Brugada syndrome 8 (BRGDA8). Identifiers: Orphanet 130, MedGen C2751083, MONDO:0013148, OMIM 613123.
Sick sinus syndrome 2, autosomal dominant (SSS2). Also called: ATRIAL FIBRILLATION WITH BRADYARRHYTHMIA; SINUS BRADYCARDIA SYNDROME, FAMILIAL, AUTOSOMAL DOMINANT; SINUS NODE DISEASE, FAMILIAL, AUTOSOMAL DOMINANT; SICK SINUS SYNDROME 2; SICK SINUS SYNDROME 2 WITH OR WITHOUT CARDIAC NONCOMPACTION AND/OR ASCENDING AORTA DILATION. Identifiers: Orphanet 166282, MedGen C1834144, MONDO:0008102, OMIM 163800.
Epilepsy, idiopathic generalized, susceptibility to, 18. Identifiers: MedGen C5561983, MONDO:0030434, OMIM 619521.
Cardiovascular phenotype. Identifiers: MedGen CN230736.

Allele frequency attached by ClinVar (database versions not stated): gnomAD 0.00001; TOPMed 0.00001; 1000 Genomes Project 30x 0.00031.
gnomAD v4.1: 18 of 1,537,902 alleles (0.0012%); highest among the groups gnomAD compares: Admixed American, 0.01%; no homozygotes.

Submissions (3):

Labcorp Genetics (formerly Invitae), Labcorp
Classification: Uncertain significance for Brugada syndrome 8. Last evaluated: 2025-10-12. Review status: criteria provided, single submitter. Criteria: Invitae Variant Classification Sherloc (09022015). Collection method: clinical testing. Allele origin: germline.
Comment: This sequence change replaces glycine, which is neutral and non-polar, with arginine, which is basic and polar, at codon 1097 of the HCN4 protein (p.Gly1097Arg). This variant is present in population databases (rs753734843, gnomAD 0.01%). This variant has not been reported in the literature in individuals affected with HCN4-related conditions. ClinVar contains an entry for this variant (Variation ID: 470665). Invitae Evidence Modeling of protein sequence and biophysical properties (such as structural, functional, and spatial information, amino acid conservation, physicochemical variation, residue mobility, and thermodynamic stability) indicates that this missense variant is not expected to disrupt HCN4 protein function with a negative predictive value of 95%. In summary, the available evidence is currently insufficient to determine the role of this variant in disease. Therefore, it has been classified as a Variant of Uncertain Significance.

Ambry Genetics
Classification: Uncertain significance for Cardiovascular phenotype. Last evaluated: 2025-09-01. Review status: criteria provided, single submitter. Criteria: Ambry Variant Classification Scheme 2023. Collection method: clinical testing. Allele origin: germline.

Fulgent Genetics
Classification: Uncertain significance for Sick sinus syndrome 2, autosomal dominant; Brugada syndrome 8; Epilepsy, idiopathic generalized, susceptibility to, 18. Last evaluated: 2021-10-05. Review status: criteria provided, single submitter. Criteria: ACMG Guidelines, 2015. Collection method: clinical testing. Allele origin: unknown.